The following is an entry in ClinVar:

NM_000530.8(MPZ):c.80C>G (p.Ala27Gly)

Gene: MPZ (myelin protein zero; minus strand). Cytogenetic location: 1q23.3.
Variant type: single nucleotide variant.
Coding change: c.80C>G on transcript NM_000530.8 (MANE Select); coding-DNA position 80, C replaced by G.
Protein change: p.Ala27Gly; replaces alanine 27 with glycine.
Molecular consequence: missense variant.
Genome position (GRCh38, 1-based): chr1:161,307,412, G>C on the plus strand (C>G on the coding strand, the complement: MPZ is on the minus strand). VCF-style: chr1-161307412-G-C. GRCh37 (hg19) VCF-style: chr1-161277202-G-C.
Other names: p.Ala27Gly; c.80C>G, p.Ala27Gly (NM_001315491.2); short protein forms A27G.
Identifiers: ClinVar variation 2682676 (VCV002682676.1), dbSNP rs2526244131, ClinGen allele CA343351677.

ClinVar aggregate classification (germline): Uncertain significance (1 of 4 stars; one submission).

Submission:

Mayo Clinic Laboratories, Mayo Clinic
Classification: Uncertain significance. Last evaluated: 2022-03-10. Review status: criteria provided, single submitter. Criteria: ACMG Guidelines, 2015. Collection method: clinical testing. Allele origin: germline. Observed: 1 variant allele.
Comment: BP4, PM2